The following is an entry in ClinVar:

NM_003238.6(TGFB2):c.490C>T (p.Gln164Ter)

Gene: TGFB2 (transforming growth factor beta 2; plus strand). Cytogenetic location: 1q41.
Variant type: single nucleotide variant.
Coding change: c.490C>T on transcript NM_003238.6 (MANE Select); coding-DNA position 490, C replaced by T.
Protein change: p.Gln164Ter; replaces glutamine 164 with a stop codon.
Molecular consequence: nonsense. On other transcripts: non-coding transcript variant (2).
Genome position (GRCh38, 1-based): chr1:218,405,312, C>T. VCF-style: chr1-218405312-C-T. GRCh37 (hg19) VCF-style: chr1-218578654-C-T.
Other names: c.574C>T, p.Gln192Ter (NM_001135599.4); short protein forms Q192*, Q164*.
Identifiers: ClinVar variation 965178 (VCV000965178.10), dbSNP rs1658873227, ClinGen allele CA344726357.

ClinVar aggregate classification (germline): Pathogenic (1 of 4 stars; one submission).

Conditions:
Loeys-Dietz syndrome 4 (LDS4). Also called: TGFB2-Related Loeys-Dietz Syndrome; ANEURYSM, AORTIC AND CEREBRAL, WITH ARTERIAL TORTUOSITY AND SKELETAL MANIFESTATIONS. Identifiers: MedGen C3553762, MONDO:0013897, OMIM 614816.

Submission:

Labcorp Genetics (formerly Invitae), Labcorp
Classification: Pathogenic for Loeys-Dietz syndrome 4. Last evaluated: 2020-03-25. Review status: criteria provided, single submitter. Criteria: Invitae Variant Classification Sherloc (09022015). Collection method: clinical testing. Allele origin: germline.
Comment: This variant has not been reported in the literature in individuals with TGFB2-related conditions. This variant is not present in population databases (ExAC no frequency). This sequence change creates a premature translational stop signal (p.Gln164*) in the TGFB2 gene. It is expected to result in an absent or disrupted protein product. For these reasons, this variant has been classified as Pathogenic. Loss-of-function variants in TGFB2 are known to be pathogenic (PMID: 22772368, 22772371).

Literature cited by the submitters: PubMed 22772368; PubMed 22772371.